The following is an entry in ClinVar:

NM_015465.5(GEMIN5):c.2025G>C (p.Leu675=)

Gene: GEMIN5 (gem nuclear organelle associated protein 5; minus strand). Cytogenetic location: 5q33.2.
Variant type: single nucleotide variant.
Coding change: c.2025G>C on transcript NM_015465.5 (MANE Select); coding-DNA position 2025, G replaced by C.
Protein change: p.Leu675=; no amino-acid change (leucine 675 retained).
Molecular consequence: synonymous variant.
Genome position (GRCh38, 1-based): chr5:154,911,869, C>G on the plus strand (G>C on the coding strand, the complement: GEMIN5 is on the minus strand). VCF-style: chr5-154911869-C-G. GRCh37 (hg19) VCF-style: chr5-154291429-C-G.
Other names: c.2022G>C, p.Leu674= (NM_001252156.2).
Identifiers: ClinVar variation 3902365 (VCV003902365.2).

ClinVar aggregate classification (germline): Likely benign. Review status: criteria provided, multiple submitters, no conflicts (2 of 4 stars). 2 submissions from 2 submitters: Likely benign (2). Last evaluated 2026-09-01.

gnomAD v4.1: 1,354 of 1,614,002 alleles (0.084%); highest among the groups gnomAD compares: Non-Finnish European, 0.11%; 1 homozygote.

Submissions (2):

CeGaT Center for Human Genetics Tuebingen
Classification: Likely benign. Last evaluated: 2026-09-01. Review status: criteria provided, single submitter. Criteria: CeGaT Center For Human Genetics Tuebingen Variant Classification Criteria Version 2. Collection method: clinical testing. Allele origin: germline. Affected: yes. Observed: 1 variant allele.
Comment: GEMIN5: BP4, BP7

Women's Health and Genetics/Laboratory Corporation of America, LabCorp
Classification: Likely benign. Last evaluated: 2025-05-09. Review status: criteria provided, single submitter. Criteria: LabCorp Variant Classification Summary - May 2015. Collection method: clinical testing. Allele origin: germline.